The following is an entry in ClinVar:

NM_024741.3(ZNF408):c.1747C>A (p.Gln583Lys)

Gene: ZNF408 (zinc finger protein 408; plus strand). Cytogenetic location: 11p11.2.
Variant type: single nucleotide variant.
Coding change: c.1747C>A on transcript NM_024741.3 (MANE Select); coding-DNA position 1747, C replaced by A.
Protein change: p.Gln583Lys; replaces glutamine 583 with lysine.
Molecular consequence: missense variant.
Genome position (GRCh38, 1-based): chr11:46,705,447, C>A. VCF-style: chr11-46705447-C-A. GRCh37 (hg19) VCF-style: chr11-46726997-C-A.
Other names: c.1723C>A, p.Gln575Lys (NM_001184751.2); short protein forms Q583K, Q575K.
Identifiers: ClinVar variation 2011981 (VCV002011981.4), dbSNP rs2502796739, ClinGen allele CA380257447.

ClinVar aggregate classification (germline): Uncertain significance (1 of 4 stars; one submission).

Submission:

Labcorp Genetics (formerly Invitae), Labcorp
Classification: Uncertain significance. Last evaluated: 2023-06-25. Review status: criteria provided, single submitter. Criteria: Invitae Variant Classification Sherloc (09022015). Collection method: clinical testing. Allele origin: germline.
Comment: This sequence change replaces glutamine, which is neutral and polar, with lysine, which is basic and polar, at codon 583 of the ZNF408 protein (p.Gln583Lys). In summary, the available evidence is currently insufficient to determine the role of this variant in disease. Therefore, it has been classified as a Variant of Uncertain Significance. An algorithm developed to predict the effect of missense changes on protein structure and function (PolyPhen-2) suggests that this variant is likely to be tolerated. ClinVar contains an entry for this variant (Variation ID: 2011981). This missense change has been observed in individual(s) with clinical features of ZNF408-related conditions (PMID: 25882705). This variant is not present in population databases (gnomAD no frequency).

Literature cited by the submitters: PubMed 25882705.